The following is an entry in ClinVar:

ClinVar aggregate classification (germline): Uncertain significance (1 of 4 stars; one submission).

Allele frequency attached by ClinVar (database versions not stated): gnomAD exomes below 0.00001; TOPMed below 0.00001; ExAC 0.00001.
gnomAD v4.1: 2 of 1,572,838 alleles (0.00013%); highest among the groups gnomAD compares: Admixed American, 0.0033%; no homozygotes.

Submission:

Labcorp Genetics (formerly Invitae), Labcorp
Classification: Uncertain significance. Last evaluated: 2022-07-21. Review status: criteria provided, single submitter. Criteria: Invitae Variant Classification Sherloc (09022015). Collection method: clinical testing. Allele origin: germline.
Comment: This sequence change replaces proline, which is neutral and non-polar, with leucine, which is neutral and non-polar, at codon 496 of the HPS3 protein (p.Pro496Leu). This variant is present in population databases (rs764792492, gnomAD 0.003%). This variant has not been reported in the literature in individuals affected with HPS3-related conditions. Algorithms developed to predict the effect of missense changes on protein structure and function (SIFT, PolyPhen-2, Align-GVGD) all suggest that this variant is likely to be tolerated. Algorithms developed to predict the effect of sequence changes on RNA splicing suggest that this variant may disrupt the consensus splice site. In summary, the available evidence is currently insufficient to determine the role of this variant in disease. Therefore, it has been classified as a Variant of Uncertain Significance.

NM_032383.5(HPS3):c.1487C>T (p.Pro496Leu)

Gene: HPS3 (HPS3 biogenesis of lysosomal organelles complex 2 subunit 1; plus strand). Cytogenetic location: 3q24.
Variant type: single nucleotide variant.
Coding change: c.1487C>T on transcript NM_032383.5 (MANE Select); coding-DNA position 1487, C replaced by T.
Protein change: p.Pro496Leu; replaces proline 496 with leucine.
Molecular consequence: missense variant.
Genome position (GRCh38, 1-based): chr3:149,155,193, C>T. VCF-style: chr3-149155193-C-T. GRCh37 (hg19) VCF-style: chr3-148872980-C-T.
Other names: c.992C>T, p.Pro331Leu (NM_001308258.2); short protein forms P496L, P331L.
Identifiers: ClinVar variation 2167354 (VCV002167354.1), dbSNP rs764792492, ClinGen allele CA2660103.